The following is an entry in ClinVar:

NM_000320.3(QDPR):c.515C>T (p.Pro172Leu)

Gene: QDPR (quinoid dihydropteridine reductase; minus strand). Cytogenetic location: 4p15.32.
Variant type: single nucleotide variant.
Coding change: c.515C>T on transcript NM_000320.3 (MANE Select); coding-DNA position 515, C replaced by T.
Protein change: p.Pro172Leu; replaces proline 172 with leucine.
Molecular consequence: missense variant.
Genome position (GRCh38, 1-based): chr4:17,492,262, G>A on the plus strand (C>T on the coding strand, the complement: QDPR is on the minus strand). VCF-style: chr4-17492262-G-A. GRCh37 (hg19) VCF-style: chr4-17493885-G-A.
Other names: c.422C>T, p.Pro141Leu (NM_001306140.2); short protein forms P172L, P141L.
Identifiers: ClinVar variation 2734652 (VCV002734652.5), dbSNP rs569310979, ClinGen allele CA2868085.

ClinVar aggregate classification (germline): Likely pathogenic. Review status: criteria provided, multiple submitters, no conflicts (2 of 4 stars). 2 submissions from 2 submitters: Likely pathogenic (2). Last evaluated 2023-09-05.

Conditions:
Dihydropteridine reductase deficiency (HPABH4C). Also called: Hyperphenylalaninemia due to dihydropteridine reductase deficiency; Hyperphenylalaninemia, BH-4-deficient, C; Phenylketonuria type 2; BH4-Deficient Hyperphenylalaninemia C; Phenylketonuria II; DHPR DEFICIENCY. Identifiers: Orphanet 226, Orphanet 238583, MedGen C0268465, MONDO:0009862, OMIM 261630.

Allele frequency attached by ClinVar (database versions not stated): gnomAD 0.00001; gnomAD exomes 0.00001; ExAC 0.00003; 1000 Genomes Project 30x 0.00016; 1000 Genomes Project 0.00020.
gnomAD v4.1: 8 of 1,614,012 alleles (0.0005%); highest among the groups gnomAD compares: Middle Eastern, 0.017%; no homozygotes.

Submissions (2):

Labcorp Genetics (formerly Invitae), Labcorp
Classification: Likely pathogenic for Dihydropteridine reductase deficiency. Last evaluated: 2023-09-05. Review status: criteria provided, single submitter. Criteria: Invitae Variant Classification Sherloc (09022015). Collection method: clinical testing. Allele origin: germline.
Comment: In summary, the currently available evidence indicates that the variant is pathogenic, but additional data are needed to prove that conclusively. Therefore, this variant has been classified as Likely Pathogenic. An algorithm developed to predict the effect of missense changes on protein structure and function (PolyPhen-2) suggests that this variant is likely to be disruptive. This sequence change replaces proline, which is neutral and non-polar, with leucine, which is neutral and non-polar, at codon 172 of the QDPR protein (p.Pro172Leu). This variant is present in population databases (rs569310979, gnomAD 0.01%). This missense change has been observed in individual(s) with tetrahydrobiopterin (BH4)-deficient hyperphenylalaninemia (PMID: 19099731, 29499199, 34485013). In at least one individual the data is consistent with being in trans (on the opposite chromosome) from a pathogenic variant.

Juno Genomics, Hangzhou Juno Genomics, Inc
Classification: Likely pathogenic for Dihydropteridine reductase deficiency. Review status: criteria provided, single submitter. Criteria: ACMG Guidelines, 2015. Collection method: clinical testing. Allele origin: germline.
Comment: Absent from controls (or at extremely low frequency if recessive) in Genome Aggregation Database.;Multiple lines of computational evidence support a deleterious effect on the gene or gene product.;For recessive disorders, detected in trans with a pathogenic variant.;Patient's phenotype or family history is highly specific for a disease with a single genetic etiology.

Literature cited by the submitters: PubMed 19099731 (cited by Labcorp Genetics (formerly Invitae), Labcorp); PubMed 29499199 (cited by Labcorp Genetics (formerly Invitae), Labcorp); PubMed 34485013 (cited by Labcorp Genetics (formerly Invitae), Labcorp).